The following is an entry in ClinVar:

ClinVar aggregate classification (germline): Benign. Review status: reviewed by expert panel (3 of 4 stars). 9 submissions from 9 submitters: Benign (1). 8 of the submissions do not count toward it. Last evaluated 2017-05-09.

Conditions:
MAP2K1-related disorder. Also called: MAP2K1-related condition; MAP2K1-related disorders.
Noonan syndrome and Noonan-related syndrome. Identifiers: Orphanet 98733, MedGen C5681679, MONDO:0020297.
Cardiovascular phenotype. Identifiers: MedGen CN230736.
RASopathy. Also called: Noonan spectrum disorder; rasopathies. Identifiers: Orphanet 536391, MedGen C5555857, MONDO:0021060.

Allele frequency attached by ClinVar (database versions not stated): gnomAD exomes 0.00011 and 0.00030; 1000 Genomes Project 30x 0.00031; ExAC 0.00032; 1000 Genomes Project 0.00040; ESP Exome Variant Server 0.00069; TOPMed 0.00110; gnomAD 0.00111 and 0.00123.
gnomAD v4.1: 335 of 1,614,020 alleles (0.021%); highest among the groups gnomAD compares: African/African-American, 0.41%; no homozygotes.

Submissions (9):

ClinGen RASopathy Variant Curation Expert Panel
Classification: Benign for Noonan syndrome and Noonan-related syndrome. Last evaluated: 2017-05-09. Review status: reviewed by expert panel. Criteria: ClinGen RASopathy ACMG Specifications v1. Collection method: curation. Allele origin: germline. Inheritance: Autosomal dominant inheritance.
Comment: The filtering allele frequency of the c.648C>T (p.Ile216=) variant in the MAP2K1 gene is 0.274% (38/10402) of African chromosomes by the Exome Aggregation Consortium, which is a high enough frequency to be classified as benign based on thresholds defined by the ClinGen RASopathy Expert Panel (BA1; PMID:29493581)

Labcorp Genetics (formerly Invitae), Labcorp
Classification: Benign for RASopathy. Last evaluated: 2026-02-04. Review status: criteria provided, single submitter. Criteria: Invitae Variant Classification Sherloc (09022015). Collection method: clinical testing. Allele origin: germline. Not counted in ClinVar's aggregate classification.

Mayo Clinic Laboratories, Mayo Clinic
Classification: Benign. Last evaluated: 2025-05-01. Review status: criteria provided, single submitter. Criteria: ACMG Guidelines, 2015. Collection method: clinical testing. Allele origin: germline. Observed: 1 variant allele. Not counted in ClinVar's aggregate classification.
Comment: BA1, BP4, BP7

Blueprint Genetics
Classification: Likely benign. Last evaluated: 2024-11-25. Review status: criteria provided, single submitter. Criteria: ACMG Guidelines, 2015. Collection method: clinical testing. Allele origin: germline. Not counted in ClinVar's aggregate classification.

Ambry Genetics
Classification: Likely benign for Cardiovascular phenotype. Last evaluated: 2022-02-20. Review status: criteria provided, single submitter. Criteria: Ambry Variant Classification Scheme 2023. Collection method: clinical testing. Allele origin: germline. Not counted in ClinVar's aggregate classification.

Genome Diagnostics Laboratory, The Hospital for Sick Children
Classification: Benign for Noonan syndrome and Noonan-related syndrome. Last evaluated: 2018-07-01. Review status: criteria provided, single submitter. Criteria: ACMG Guidelines, 2015. Collection method: clinical testing. Allele origin: germline. Not counted in ClinVar's aggregate classification.

GeneDx
Classification: Benign. Last evaluated: 2015-03-03. Review status: criteria provided, single submitter. Criteria: GeneDx Variant Classification Process June 2021. Collection method: clinical testing. Allele origin: germline. Affected: yes. Not counted in ClinVar's aggregate classification.

Laboratory for Molecular Medicine, Mass General Brigham Personalized Medicine
Classification: Likely benign. Last evaluated: 2012-06-13. Review status: criteria provided, single submitter. Criteria: LMM Criteria. Collection method: clinical testing. Allele origin: germline. Observed: 2 variant alleles. Not counted in ClinVar's aggregate classification.
Comment: Ile216Ile in exon 6 of MAP2K1: This variant is not expected to have clinical sig nificance because it does not alter an amino acid residue and it is not located within the splice consensus sequence.

PreventionGenetics, part of Exact Sciences
Classification: Benign for MAP2K1-related condition. Last evaluated: 2020-05-27. Review status: no assertion criteria provided. Collection method: clinical testing. Allele origin: germline. Not counted in ClinVar's aggregate classification.
Comment: This variant is classified as benign based on ACMG/AMP sequence variant interpretation guidelines (Richards et al. 2015 PMID: 25741868, with internal and published modifications).

NM_002755.4(MAP2K1):c.648C>T (p.Ile216=)

Gene: MAP2K1 (mitogen-activated protein kinase kinase 1; plus strand). Cytogenetic location: 15q22.31.
Variant type: single nucleotide variant.
Coding change: c.648C>T on transcript NM_002755.4 (MANE Select); coding-DNA position 648, C replaced by T.
Protein change: p.Ile216=; no amino-acid change (isoleucine 216 retained).
Molecular consequence: synonymous variant.
Genome position (GRCh38, 1-based): chr15:66,481,834, C>T. VCF-style: chr15-66481834-C-T. GRCh37 (hg19) VCF-style: chr15-66774172-C-T.
Other names: NM_002755.3(MAP2K1):c.648C>T.
Identifiers: ClinVar variation 44590 (VCV000044590.27), dbSNP rs148968935, ClinGen allele CA134607.